The following is an entry in ClinVar:

NM_001101362.3(KBTBD13):c.400C>G (p.Arg134Gly)

Gene: KBTBD13 (kelch repeat and BTB domain containing 13; plus strand). Cytogenetic location: 15q22.31.
Variant type: single nucleotide variant.
Coding change: c.400C>G on transcript NM_001101362.3 (MANE Select); coding-DNA position 400, C replaced by G.
Protein change: p.Arg134Gly; replaces arginine 134 with glycine.
Molecular consequence: missense variant.
Genome position (GRCh38, 1-based): chr15:65,077,215, C>G. VCF-style: chr15-65077215-C-G. GRCh37 (hg19) VCF-style: chr15-65369553-C-G.
Other names: short protein forms R134G.
Identifiers: ClinVar variation 2074079 (VCV002074079.4), dbSNP rs1383386364, ClinGen allele CA392860510.

ClinVar aggregate classification (germline): Uncertain significance (1 of 4 stars; one submission).

Conditions:
Nemaline myopathy 6 (NEM6). Also called: Nemaline myopathy 6, autosomal dominant. Identifiers: Orphanet 171439, MedGen C1836472, MONDO:0012237, OMIM 609273.

Submission:

Labcorp Genetics (formerly Invitae), Labcorp
Classification: Uncertain significance for Nemaline myopathy 6. Last evaluated: 2022-11-08. Review status: criteria provided, single submitter. Criteria: Invitae Variant Classification Sherloc (09022015). Collection method: clinical testing. Allele origin: germline.
Comment: This variant has not been reported in the literature in individuals affected with KBTBD13-related conditions. This variant is not present in population databases (gnomAD no frequency). This sequence change replaces arginine, which is basic and polar, with glycine, which is neutral and non-polar, at codon 134 of the KBTBD13 protein (p.Arg134Gly). Advanced modeling of protein sequence and biophysical properties (such as structural, functional, and spatial information, amino acid conservation, physicochemical variation, residue mobility, and thermodynamic stability) performed at Invitae indicates that this missense variant is not expected to disrupt KBTBD13 protein function. In summary, the available evidence is currently insufficient to determine the role of this variant in disease. Therefore, it has been classified as a Variant of Uncertain Significance.